The following is an entry in ClinVar:

NM_000435.3(NOTCH3):c.5005C>G (p.Arg1669Gly)

Gene: NOTCH3 (notch receptor 3; minus strand). Cytogenetic location: 19p13.12.
Variant type: single nucleotide variant.
Coding change: c.5005C>G on transcript NM_000435.3 (MANE Select); coding-DNA position 5005, C replaced by G.
Protein change: p.Arg1669Gly; replaces arginine 1669 with glycine.
Molecular consequence: missense variant.
Genome position (GRCh38, 1-based): chr19:15,170,440, G>C on the plus strand (C>G on the coding strand, the complement: NOTCH3 is on the minus strand). VCF-style: chr19-15170440-G-C. GRCh37 (hg19) VCF-style: chr19-15281251-G-C.
Other names: p.Arg1669Gly; short protein forms R1669G.
Identifiers: ClinVar variation 1715961 (VCV001715961.6), dbSNP rs1245716605, ClinGen allele CA404497492.
Genomic context (GRCh38, chr19:15,170,440, plus strand): 5'-CAGAGGCCACGTCCTTGTGCAGTGAGAAGCCCTCAGGGAACCAGAGGGTGCTGTGCTCGC[G>C]CTTGCGCCGGGCCACCATGACACCCAGGACGAGAATGACCAGCAGCAAGACAGCGCCCGC-3'
Protein context (NP_000426.2, residues 1659-1679): VLGVMVARRK[Arg1669Gly]EHSTLWFPEG

ClinVar aggregate classification (germline): Uncertain significance. Review status: criteria provided, multiple submitters, no conflicts (2 of 4 stars). 2 submissions from 2 submitters: Uncertain significance (2). Last evaluated 2025-02-26.

gnomAD v4.1: 2 of 1,611,352 alleles (0.00012%); highest among the groups gnomAD compares: Non-Finnish European, 0.00017%; no homozygotes.

Submissions (2):

Mayo Clinic Laboratories, Mayo Clinic
Classification: Uncertain significance. Last evaluated: 2025-02-26. Review status: criteria provided, single submitter. Criteria: ACMG Guidelines, 2015. Collection method: clinical testing. Allele origin: germline. Observed: 1 variant allele.
Comment: PP3_moderate

Labcorp Genetics (formerly Invitae), Labcorp
Classification: Uncertain significance. Last evaluated: 2022-08-09. Review status: criteria provided, single submitter. Criteria: Invitae Variant Classification Sherloc (09022015). Collection method: clinical testing. Allele origin: germline.
Comment: In summary, the available evidence is currently insufficient to determine the role of this variant in disease. Therefore, it has been classified as a Variant of Uncertain Significance. Advanced modeling of protein sequence and biophysical properties (such as structural, functional, and spatial information, amino acid conservation, physicochemical variation, residue mobility, and thermodynamic stability) performed at Invitae indicates that this missense variant is not expected to disrupt NOTCH3 protein function. This variant has not been reported in the literature in individuals affected with NOTCH3-related conditions. This variant is not present in population databases (gnomAD no frequency). This sequence change replaces arginine, which is basic and polar, with glycine, which is neutral and non-polar, at codon 1669 of the NOTCH3 protein (p.Arg1669Gly).